The following is an entry in ClinVar:

ClinVar aggregate classification (germline): Likely pathogenic (1 of 4 stars; one submission).

Conditions:
Bethlem myopathy 2 (BTHLM2). Identifiers: Orphanet 536516, Orphanet 610, MedGen C4225313, MONDO:0034022, OMIM 616471.

Allele frequency attached by ClinVar (database versions not stated): TOPMed below 0.00001.

Submission:

Broad Center for Mendelian Genomics, Broad Institute of MIT and Harvard
Classification: Likely pathogenic for Bethlem myopathy 2. Last evaluated: 2022-05-04. Review status: criteria provided, single submitter. Criteria: ACMG Guidelines, 2015. Collection method: curation. Allele origin: germline. Inheritance: Autosomal dominant inheritance.
Comment: Trio exome analysis showed this variant to be de novo. The variant has not been previously reported in individuals with Bethlem myopathy 2 and was absent from large population studies. Computational prediction tools and conservation analyses do not provide strong support for or against an impact to the protein. In summary, although additional studies are required to fully establish its clinical significance, this variant is likely pathogenic. ACMG/AMP Criteria applied: PS2, PM2 (Richards 2015).

NM_004370.6(COL12A1):c.5765G>A (p.Gly1922Glu)

Gene: COL12A1 (collagen type XII alpha 1 chain; minus strand). Cytogenetic location: 6q13.
Variant type: single nucleotide variant.
Coding change: c.5765G>A on transcript NM_004370.6 (MANE Select); coding-DNA position 5765, G replaced by A.
Protein change: p.Gly1922Glu; replaces glycine 1922 with glutamic acid.
Molecular consequence: missense variant.
Genome position (GRCh38, 1-based): chr6:75,133,322, C>T on the plus strand (G>A on the coding strand, the complement: COL12A1 is on the minus strand). VCF-style: chr6-75133322-C-T. GRCh37 (hg19) VCF-style: chr6-75843038-C-T.
Other names: NM_080645.3:c.2273G>A; c.2273G>A, p.Gly758Glu (NM_080645.3); short protein forms G1922E, G758E.
Identifiers: ClinVar variation 1679854 (VCV001679854.1), dbSNP rs1766404539, ClinGen allele CA364733926.
Genomic context (GRCh38, chr6:75,133,322, plus strand): 5'-GAAAAATTAATTTTTTGGCTTTATTACTTACATGTCCTTCCAGTATCTGATGTGCGTCCC[C>T]CATCACCTTCAGTATAAACGGGAACTACAGTCACAGTGTATGAGGTATCTGGCTGCAGAT-3'
Protein context (NP_004361.3, residues 1912-1932): TVVPVYTEGD[Gly1922Glu]GRTSDTGRTL